The following is an entry in ClinVar:

ClinVar aggregate classification (germline): Likely pathogenic. Review status: criteria provided, multiple submitters, no conflicts (2 of 4 stars). 4 submissions from 4 submitters: Likely pathogenic (4). Last evaluated 2023-04-11.

Conditions:
Catecholaminergic polymorphic ventricular tachycardia 2. Also called: CASQ2-Related Catecholaminergic Polymorphic Ventricular Tachycardia; VENTRICULAR TACHYCARDIA, STRESS-INDUCED POLYMORPHIC 2. Identifiers: Orphanet 3286, MedGen C2677794, MONDO:0012762, OMIM 611938.
Catecholaminergic polymorphic ventricular tachycardia 1. Also called: VENTRICULAR TACHYCARDIA, CATECHOLAMINERGIC POLYMORPHIC, 1, WITH OR WITHOUT ATRIAL DYSFUNCTION AND/OR DILATED CARDIOMYOPATHY; RYR2-Related Catecholaminergic Polymorphic Ventricular Tachycardia; VENTRICULAR TACHYCARDIA, STRESS-INDUCED POLYMORPHIC 1. Identifiers: Orphanet 3286, MedGen C1631597, MONDO:0011484, OMIM 604772.
Cardiovascular phenotype. Identifiers: MedGen CN230736.

Allele frequency attached by ClinVar (database versions not stated): gnomAD exomes below 0.00001.
gnomAD v4.1: 2 of 1,608,852 alleles (0.00012%); highest among the groups gnomAD compares: South Asian, 0.0011%; no homozygotes.

Submissions (4):

Genome-Nilou Lab
Classification: Likely pathogenic for Catecholaminergic polymorphic ventricular tachycardia 2. Last evaluated: 2023-04-11. Review status: criteria provided, single submitter. Criteria: ACMG Guidelines, 2015. Collection method: clinical testing. Allele origin: germline. Affected: no.

Labcorp Genetics (formerly Invitae), Labcorp
Classification: Likely pathogenic for Catecholaminergic polymorphic ventricular tachycardia 1. Last evaluated: 2022-03-18. Review status: criteria provided, single submitter. Criteria: Invitae Variant Classification Sherloc (09022015). Collection method: clinical testing. Allele origin: germline.
Comment: This sequence change affects an acceptor splice site in intron 1 of the CASQ2 gene. It is expected to disrupt RNA splicing. Variants that disrupt the donor or acceptor splice site typically lead to a loss of protein function (PMID: 16199547), and loss-of-function variants in CASQ2 are known to be pathogenic (PMID: 12386154). This variant is not present in population databases (gnomAD no frequency). This variant has not been reported in the literature in individuals affected with CASQ2-related conditions. ClinVar contains an entry for this variant (Variation ID: 408869). Algorithms developed to predict the effect of sequence changes on RNA splicing suggest that this variant may disrupt the consensus splice site. In summary, the currently available evidence indicates that the variant is pathogenic, but additional data are needed to prove that conclusively. Therefore, this variant has been classified as Likely Pathogenic.

GeneDx
Classification: Likely pathogenic. Last evaluated: 2020-12-16. Review status: criteria provided, single submitter. Criteria: GeneDx Variant Classification Process June 2021. Collection method: clinical testing. Allele origin: germline. Affected: yes.
Comment: Has not been previously published as pathogenic or benign to our knowledge; Reported in ClinVar as a likely pathogenic variant (ClinVar Variant ID# 408869; Landrum et al., 2016); Not observed in large population cohorts (Lek et al., 2016); Canonical splice site variant predicted to result in a null allele in a gene for which loss-of-function is a known mechanism of disease

Ambry Genetics
Classification: Likely pathogenic for Cardiovascular phenotype. Last evaluated: 2019-02-14. Review status: criteria provided, single submitter. Criteria: Ambry Variant Classification Scheme 2023. Collection method: clinical testing. Allele origin: germline.
Comment: The c.235-2A>G intronic variant results from an A to G substitution two nucleotides upstream from coding exon 2 in the CASQ2 gene. This nucleotide position is highly conserved in available vertebrate species. Using the BDGP and ESEfinder splice site prediction tools, this alteration is predicted to abolish the native splice acceptor site; however, direct evidence is unavailable. Alterations that disrupt the canonical splice site are expected to cause aberrant splicing, resulting in an abnormal protein or a transcript that is subject to nonsense-mediated mRNA decay. As such, this alteration is classified as likely pathogenic.

Literature cited by the submitters: PubMed 16199547 (cited by Labcorp Genetics (formerly Invitae), Labcorp); PubMed 12386154 (cited by Labcorp Genetics (formerly Invitae), Labcorp).

NM_001232.4(CASQ2):c.235-2A>G

Gene: CASQ2 (calsequestrin 2; minus strand). Cytogenetic location: 1p13.1.
Variant type: single nucleotide variant.
Coding change: c.235-2A>G on transcript NM_001232.4 (MANE Select); the canonical splice acceptor site of the intron before coding-DNA position 235, A replaced by G.
Molecular consequence: splice acceptor variant.
Genome position (GRCh38, 1-based): chr1:115,744,914, T>C on the plus strand (A>G on the coding strand, the complement: CASQ2 is on the minus strand). VCF-style: chr1-115744914-T-C. GRCh37 (hg19) VCF-style: chr1-116287535-T-C.
Identifiers: ClinVar variation 408869 (VCV000408869.52), dbSNP rs1060502164, ClinGen allele CA16609862.